The following is an entry in ClinVar:

ClinVar aggregate classification (germline): Conflicting classifications of pathogenicity. Review status: criteria provided, conflicting classifications (1 of 4 stars). 8 submissions from 8 submitters: Uncertain significance (2); Likely benign (5). 1 of the submissions does not count toward it. Last evaluated 2026-09-01.

Conditions:
FLNB-Related Spectrum Disorders.
FLNB-related disorder. Also called: FLNB-related condition; FLNB-related disorders. Identifiers: MedGen CN381095.

Allele frequency attached by ClinVar (database versions not stated): ExAC 0.00062; gnomAD 0.00071 and 0.00072; gnomAD exomes 0.00072 and 0.00113; TOPMed 0.00076; 1000 Genomes Project 0.00080; ESP Exome Variant Server 0.00092; 1000 Genomes Project 30x 0.00094.
gnomAD v4.1: 1,760 of 1,614,160 alleles (0.11%); highest among the groups gnomAD compares: Non-Finnish European, 0.14%; 1 homozygote.

Submissions (8):

CeGaT Center for Human Genetics Tuebingen
Classification: Likely benign. Last evaluated: 2026-09-01. Review status: criteria provided, single submitter. Criteria: CeGaT Center For Human Genetics Tuebingen Variant Classification Criteria Version 2. Collection method: clinical testing. Allele origin: germline. Affected: yes. Observed: 2 variant alleles.
Comment: FLNB: BP4, BP7

Labcorp Genetics (formerly Invitae), Labcorp
Classification: Likely benign. Last evaluated: 2026-01-15. Review status: criteria provided, single submitter. Criteria: Invitae Variant Classification Sherloc (09022015). Collection method: clinical testing. Allele origin: germline.

Blueprint Genetics
Classification: Likely benign. Last evaluated: 2024-11-17. Review status: criteria provided, single submitter. Criteria: ACMG Guidelines, 2015. Collection method: clinical testing. Allele origin: germline.

ARUP Laboratories, Molecular Genetics and Genomics, ARUP Laboratories
Classification: Likely benign. Last evaluated: 2023-06-28. Review status: criteria provided, single submitter. Criteria: ARUP Molecular Germline Variant Investigation Process 2024. Collection method: clinical testing. Allele origin: germline.

GeneDx
Classification: Likely benign. Last evaluated: 2021-06-24. Review status: criteria provided, single submitter. Criteria: GeneDx Variant Classification Process June 2021. Collection method: clinical testing. Allele origin: germline. Affected: yes.

Illumina Laboratory Services, Illumina
Classification: Uncertain significance for FLNB-Related Spectrum Disorders. Last evaluated: 2018-01-12. Review status: criteria provided, single submitter. Criteria: ICSL Variant Classification Criteria 13 December 2019. Collection method: clinical testing. Allele origin: germline.

Eurofins Ntd Llc (ga)
Classification: Uncertain significance. Last evaluated: 2016-01-12. Review status: criteria provided, single submitter. Criteria: EGL Classification Definitions 2015. Collection method: clinical testing. Allele origin: germline. Observed: 1 variant allele, 1 heterozygote.

PreventionGenetics, part of Exact Sciences
Classification: Likely benign for FLNB-related condition. Last evaluated: 2019-07-10. Review status: no assertion criteria provided. Collection method: clinical testing. Allele origin: germline. Not counted in ClinVar's aggregate classification.
Comment: This variant is classified as likely benign based on ACMG/AMP sequence variant interpretation guidelines (Richards et al. 2015 PMID: 25741868, with internal and published modifications).

NM_001457.4(FLNB):c.3288C>T (p.Ser1096=)

Gene: FLNB (filamin B; plus strand). Cytogenetic location: 3p14.3.
Variant type: single nucleotide variant.
Coding change: c.3288C>T on transcript NM_001457.4 (MANE Select); coding-DNA position 3288, C replaced by T.
Protein change: p.Ser1096=; no amino-acid change (serine 1096 retained).
Molecular consequence: synonymous variant.
Genome position (GRCh38, 1-based): chr3:58,123,254, C>T. VCF-style: chr3-58123254-C-T. GRCh37 (hg19) VCF-style: chr3-58108981-C-T.
Other names: c.3288C>T, p.Ser1096= (NM_001164317.2, NM_001164318.2, NM_001164319.2).
Identifiers: ClinVar variation 285500 (VCV000285500.33), dbSNP rs77934864, ClinGen allele CA2468378.